The following is an entry in ClinVar:

NM_001873.4(CPE):c.549G>C (p.Gln183His)

Gene: CPE (carboxypeptidase E; plus strand). Cytogenetic location: 4q32.3.
Variant type: single nucleotide variant.
Coding change: c.549G>C on transcript NM_001873.4 (MANE Select); coding-DNA position 549, G replaced by C.
Protein change: p.Gln183His; replaces glutamine 183 with histidine.
Molecular consequence: missense variant.
Genome position (GRCh38, 1-based): chr4:165,467,732, G>C. VCF-style: chr4-165467732-G-C. GRCh37 (hg19) VCF-style: chr4-166388884-G-C.
Other names: short protein forms Q183H.
Identifiers: ClinVar variation 4979086 (VCV004979086.1).

ClinVar aggregate classification (germline): Uncertain significance (1 of 4 stars; one submission).

Conditions:
CPE-related disorder. Also called: CPE-related condition.

Submission:

PreventionGenetics, part of Exact Sciences
Classification: Uncertain significance for CPE-related condition. Last evaluated: 2024-12-31. Review status: criteria provided, single submitter. Criteria: ACMG Guidelines, 2015. Collection method: clinical testing. Allele origin: germline.
Comment: The CPE c.549G>C variant is predicted to result in the amino acid substitution p.Gln183His. To our knowledge, this variant has not been reported in the literature. This variant is reported in 0.13% of alleles in individuals of East Asian descent in gnomAD. Although we suspect that this variant may be benign, at this time, the clinical significance of this variant is uncertain due to the absence of conclusive functional and genetic evidence.